The following is an entry in ClinVar:

NM_001130987.2(DYSF):c.5890del (p.Leu1964fs)

Gene: DYSF (dysferlin; plus strand). Cytogenetic location: 2p13.2.
Variant type: Deletion.
Coding change: c.5890del on transcript NM_001130987.2 (MANE Select); coding-DNA position 5890, one base deleted (C; older notation c.5890delC).
Protein change: p.Leu1964fs; shifts the reading frame from leucine 1964.
Molecular consequence: frameshift variant.
Genome position (GRCh38, 1-based): chr2:71,679,062, C deleted; the last of 3 consecutive C bases (chr2:71,679,060-71,679,062); deleting any one gives the same sequence. VCF-style (leftmost placement, unchanged base first): chr2-71679059-TC-T. GRCh37 (hg19) VCF-style: chr2-71906189-TC-T.
Other names: c.5776del, p.Leu1926fs (NM_001130455.2); c.5731del, p.Leu1911fs (NM_001130976.2); c.5794del, p.Leu1932fs (NM_001130977.2); c.5836del, p.Leu1946fs (NM_001130978.2); c.5866del, p.Leu1956fs (NM_001130979.2); c.5824del, p.Leu1942fs (NM_001130980.2); c.5887del, p.Leu1963fs (NM_001130981.2); c.5869del, p.Leu1957fs (NM_001130982.2); and 5 more; short protein forms L1911fs, L1912fs, L1925fs, L1926fs, L1932fs, L1933fs, L1942fs, L1943fs.
Identifiers: ClinVar variation 5012862 (VCV005012862.1).

ClinVar aggregate classification (germline): Pathogenic (1 of 4 stars; one submission).

Conditions:
Autosomal recessive limb-girdle muscular dystrophy. Identifiers: Orphanet 102015, MedGen C2931907, MONDO:0015152.

Submission:

Myriad Genetics, Inc.
Classification: Pathogenic for Autosomal recessive limb-girdle muscular dystrophy. Last evaluated: 2024-03-24. Review status: criteria provided, single submitter. Criteria: Myriad Autosomal Dominant, Autosomal Recessive and X-Linked Classification Criteria (2023). Collection method: clinical testing. Allele origin: unknown.
Comment: NM_003494.3(DYSF):c.5773delC(L1925Cfs*41) is expected to be pathogenic in the context of dysferlinopathy. This variant is predicted to lead to an abnormal or absent protein product due to the creation of a premature termination codon in DYSF, a gene where loss-of-function variants are known to be pathogenic. Please note: this variant was assessed in the context of healthy population screening.